The following is an entry in ClinVar:

NM_001394062.1(MACF1):c.14842A>G (p.Met4948Val)

Genes: MACF1 (microtubule actin crosslinking factor 1; plus strand), LOC114803468 (MACF1 eExon liver enhancer; plus strand). Cytogenetic location: 1p34.3.
Variant type: single nucleotide variant.
Coding change: c.14842A>G on transcript NM_001394062.1 (MANE Select); coding-DNA position 14842, A replaced by G.
Protein change: p.Met4948Val; replaces methionine 4948 with valine.
Molecular consequence: missense variant.
Genome position (GRCh38, 1-based): chr1:39,387,684, A>G. VCF-style: chr1-39387684-A-G. GRCh37 (hg19) VCF-style: chr1-39853356-A-G.
Other names: c.8656A>G, p.Met2886Val (NM_012090.5); c.8656A>G (NM_012090.4); short protein forms M2886V, M4948V.
Identifiers: ClinVar variation 3351956 (VCV003351956.10).
Genomic context (GRCh38, chr1:39,387,684, plus strand): 5'-GAGTTGCGAGTCACTCTGGATCCAGTGCAGCTAGAGTCCAGTCTCCTAAGATCAAAGGCT[A>G]TGCTGAATGAGGTGGAGAAGCGCCGCTCCCTGCTGGAAATATTGAATAGTGCTGCTGACA-3'
Protein context (NP_001380991.1, residues 4938-4958): LESSLLRSKA[Met4948Val]LNEVEKRRSL

ClinVar aggregate classification (germline): Likely benign. Review status: criteria provided, multiple submitters, no conflicts (2 of 4 stars). 4 submissions from 4 submitters: Likely benign (3). 1 of the submissions does not count toward it. Last evaluated 2026-06-01.

Conditions:
MACF1-related disorder. Also called: MACF1-related condition.
Inborn genetic diseases. Identifiers: MedGen C0950123, MeSH D030342.

gnomAD v4.1: 147 of 1,614,060 alleles (0.0091%); highest among the groups gnomAD compares: Non-Finnish European, 0.0088%; no homozygotes.

Submissions (4):

CeGaT Center for Human Genetics Tuebingen
Classification: Likely benign. Last evaluated: 2026-06-01. Review status: criteria provided, single submitter. Criteria: CeGaT Center For Human Genetics Tuebingen Variant Classification Criteria Version 2. Collection method: clinical testing. Allele origin: germline. Affected: yes. Observed: 2 variant alleles.
Comment: MACF1: BP4

Ambry Genetics
Classification: Likely benign for Inborn genetic diseases. Last evaluated: 2025-03-22. Review status: criteria provided, single submitter. Criteria: Ambry Variant Classification Scheme 2023. Collection method: clinical testing. Allele origin: germline.

Blueprint Genetics
Classification: Likely benign. Last evaluated: 2024-05-28. Review status: criteria provided, single submitter. Criteria: ACMG Guidelines, 2015. Collection method: clinical testing. Allele origin: germline.

PreventionGenetics, part of Exact Sciences
Classification: Likely benign for MACF1-related condition. Last evaluated: 2024-08-16. Review status: no assertion criteria provided. Collection method: clinical testing. Allele origin: germline. Not counted in ClinVar's aggregate classification.
Comment: This variant is classified as likely benign based on ACMG/AMP sequence variant interpretation guidelines (Richards et al. 2015 PMID: 25741868, with internal and published modifications).